The following is an entry in ClinVar:

ClinVar aggregate classification (germline): Likely benign. Review status: criteria provided, multiple submitters, no conflicts (2 of 4 stars). 2 submissions from 2 submitters: Likely benign (2). Last evaluated 2023-02-08.

Conditions:
Congenital myotonia, autosomal dominant form (THD). Also called: THOMSEN DISEASE; Myotonia congenita autosomal dominant. Identifiers: Orphanet 614, MedGen C2936781, MONDO:0008055, OMIM 160800.
Congenital myotonia, autosomal recessive form. Also called: Becker Generalized Myotonia; myotonia congenita, autosomal recessive; BECKER DISEASE. Identifiers: Orphanet 614, MedGen C0751360, MONDO:0009715, OMIM 255700.
Batten-Turner congenital myopathy. Also called: Myotonia congenita; Congenital myotonia. Identifiers: Orphanet 206973, MedGen C0027127, MONDO:0100468, OMIM 255300.

Allele frequency attached by ClinVar (database versions not stated): gnomAD below 0.00001 and 0.00001; gnomAD exomes 0.00001; ExAC 0.00002.
gnomAD v4.1: 21 of 1,600,968 alleles (0.0013%); highest among the groups gnomAD compares: South Asian, 0.021%; no homozygotes.

Submissions (2):

Labcorp Genetics (formerly Invitae), Labcorp
Classification: Likely benign for Congenital myotonia, autosomal recessive form; Congenital myotonia, autosomal dominant form. Last evaluated: 2023-02-08. Review status: criteria provided, single submitter. Criteria: Invitae Variant Classification Sherloc (09022015). Collection method: clinical testing. Allele origin: germline.

Illumina Laboratory Services, Illumina
Classification: Likely benign for Myotonia congenita. Last evaluated: 2018-01-13. Review status: criteria provided, single submitter. Criteria: ICSL Variant Classification Criteria 13 December 2019. Collection method: clinical testing. Allele origin: germline.
Comment: This variant was observed in the ICSL laboratory as part of a predisposition screen in an ostensibly healthy population. It had not been previously curated by ICSL or reported in the Human Gene Mutation Database (HGMD: prior to June 1st, 2018), and was therefore a candidate for classification through an automated scoring system. Utilizing variant allele frequency, disease prevalence and penetrance estimates, and inheritance mode, an automated score was calculated to assess if this variant is too frequent to cause the disease. Based on the score and internal cut-off values, a variant classified as likely benign is not then subjected to further curation. The score for this variant resulted in a classification of likely benign for this disease.

NM_000083.3(CLCN1):c.2285-15C>A

Gene: CLCN1 (chloride voltage-gated channel 1; plus strand). Cytogenetic location: 7q34.
Variant type: single nucleotide variant.
Coding change: c.2285-15C>A on transcript NM_000083.3 (MANE Select); 15 bases into the intron before coding-DNA position 2285, C replaced by A.
Molecular consequence: intron variant.
Genome position (GRCh38, 1-based): chr7:143,346,564, C>A. VCF-style: chr7-143346564-C-A. GRCh37 (hg19) VCF-style: chr7-143043657-C-A.
Identifiers: ClinVar variation 908201 (VCV000908201.7), dbSNP rs758496771, ClinGen allele CA4537629.